The following is an entry in ClinVar:

ClinVar aggregate classification (germline): Uncertain significance. Review status: criteria provided, multiple submitters, no conflicts (2 of 4 stars). 5 submissions from 5 submitters: Uncertain significance (5). Last evaluated 2024-09-01.

Conditions:
Hereditary cancer-predisposing syndrome. Also called: Hereditary neoplastic syndrome; Neoplastic Syndromes, Hereditary; Tumor predisposition; Hereditary Cancer Syndrome. Identifiers: Orphanet 140162, MedGen C0027672, MeSH D009386, MONDO:0015356.
Familial adenomatous polyposis 1 (FAP1). Also called: POLYPOSIS, ADENOMATOUS INTESTINAL; FAMILIAL ADENOMATOUS POLYPOSIS 1, ATTENUATED. Identifiers: MedGen C2713442, MONDO:0021056, OMIM 175100. Disease mechanism: loss of function.
Classic or attenuated familial adenomatous polyposis. Identifiers: MedGen CN372698, MONDO:0021057.

Allele frequency attached by ClinVar (database versions not stated): gnomAD exomes below 0.00001.
gnomAD v4.1: 1 of 1,614,144 alleles (0.000062%); highest among the groups gnomAD compares: Non-Finnish European, 0.000085%; no homozygotes.

Submissions (5):

Ambry Genetics
Classification: Uncertain significance for Hereditary cancer-predisposing syndrome. Last evaluated: 2024-09-01. Review status: criteria provided, single submitter. Criteria: Ambry Variant Classification Scheme 2023. Collection method: clinical testing. Allele origin: germline.
Comment: The p.A1225G variant (also known as c.3674C>G), located in coding exon 15 of the APC gene, results from a C to G substitution at nucleotide position 3674. The alanine at codon 1225 is replaced by glycine, an amino acid with similar properties. This amino acid position is conserved. In addition, in silico predictors for this gene do not accurately predict pathogenicity. Based on the available evidence, the clinical significance of this variant remains unclear.

Labcorp Genetics (formerly Invitae), Labcorp
Classification: Uncertain significance for Familial adenomatous polyposis 1. Last evaluated: 2024-01-26. Review status: criteria provided, single submitter. Criteria: Invitae Variant Classification Sherloc (09022015). Collection method: clinical testing. Allele origin: germline.
Comment: This sequence change replaces alanine, which is neutral and non-polar, with glycine, which is neutral and non-polar, at codon 1225 of the APC protein (p.Ala1225Gly). This variant is not present in population databases (gnomAD no frequency). This variant has not been reported in the literature in individuals affected with APC-related conditions. ClinVar contains an entry for this variant (Variation ID: 469933). Advanced modeling of protein sequence and biophysical properties (such as structural, functional, and spatial information, amino acid conservation, physicochemical variation, residue mobility, and thermodynamic stability) performed at Invitae indicates that this missense variant is not expected to disrupt APC protein function with a negative predictive value of 95%. In summary, the available evidence is currently insufficient to determine the role of this variant in disease. Therefore, it has been classified as a Variant of Uncertain Significance.

All of Us Research Program, National Institutes of Health
Classification: Uncertain significance for Classic or attenuated familial adenomatous polyposis. Last evaluated: 2023-12-13. Review status: criteria provided, single submitter. Criteria: ACMG Guidelines, 2015. Collection method: clinical testing. Allele origin: germline. Inheritance: Autosomal dominant inheritance. Observed: 1 variant allele, 1 heterozygote.
Comment: This missense variant replaces alanine with glycine at codon 1225 of the APC protein. Computational prediction suggests that this variant may not impact protein structure and function (internally defined REVEL score threshold <= 0.5, PMID: 27666373). To our knowledge, functional studies have not been reported for this variant. This variant has not been reported in individuals affected with APC-related disorders in the literature. This variant has not been identified in the general population by the Genome Aggregation Database (gnomAD). The available evidence is insufficient to determine the role of this variant in disease conclusively. Therefore, this variant is classified as a Variant of Uncertain Significance.

This study involves interpretation of variants in research participants for the purpose of population health screening. Participant phenotype was not available at the time of variant classification. Additional details can be found in publication PMID: 35346344, PMCID: PMC8962531

Color Diagnostics, LLC DBA Color Health
Classification: Uncertain significance for Hereditary cancer-predisposing syndrome. Last evaluated: 2023-12-05. Review status: criteria provided, single submitter. Criteria: ACMG Guidelines, 2015. Collection method: clinical testing. Allele origin: germline.
Comment: This missense variant replaces alanine with glycine at codon 1225 of the APC protein. Computational prediction suggests that this variant may not impact protein structure and function (internally defined REVEL score threshold <= 0.5, PMID: 27666373). To our knowledge, functional studies have not been reported for this variant. This variant has not been reported in individuals affected with APC-related disorders in the literature. This variant has not been identified in the general population by the Genome Aggregation Database (gnomAD). The available evidence is insufficient to determine the role of this variant in disease conclusively. Therefore, this variant is classified as a Variant of Uncertain Significance.

Sema4
Classification: Uncertain significance for Hereditary cancer-predisposing syndrome. Last evaluated: 2021-05-06. Review status: criteria provided, single submitter. Criteria: Sema4 Curation Guidelines. Collection method: curation. Allele origin: germline.
Comment: The APC c.3674C>G (p.A1225G) variant has not been reported in the literature to our knowledge. It was not observed in the large and broad cohorts of the Genome Aggregation Database (PMID: 32461654). This variant has been reported in ClinVar (Variation ID 469933). In silico tools suggest the impact of the variant on protein function is inconclusive, though these predictions have not been confirmed by functional studies. The overall evidence is insufficient to meet ACMG/AMP criteria for classifying it as benign or pathogenic. In summary, the clinical significance of this variant is currently uncertain.

NM_000038.6(APC):c.3674C>G (p.Ala1225Gly)

Gene: APC (APC regulator of Wnt signaling pathway; plus strand). Cytogenetic location: 5q22.2.
Variant type: single nucleotide variant.
Coding change: c.3674C>G on transcript NM_000038.6 (MANE Select); coding-DNA position 3674, C replaced by G.
Protein change: p.Ala1225Gly; replaces alanine 1225 with glycine.
Molecular consequence: missense variant.
Genome position (GRCh38, 1-based): chr5:112,839,268, C>G. VCF-style: chr5-112839268-C-G. GRCh37 (hg19) VCF-style: chr5-112174965-C-G.
Other names: c.3674C>G, p.Ala1225Gly (NM_001127510.3, NM_001354895.2); c.3620C>G, p.Ala1207Gly (NM_001127511.3); c.3728C>G, p.Ala1243Gly (NM_001354896.2); c.3704C>G, p.Ala1235Gly (NM_001354897.2); c.3599C>G, p.Ala1200Gly (NM_001354898.2); c.3590C>G, p.Ala1197Gly (NM_001354899.2); c.3551C>G, p.Ala1184Gly (NM_001354900.2); c.3497C>G, p.Ala1166Gly (NM_001354901.2); and 5 more; short protein forms A1207G, A1225G, A1166G, A1124G, A1134G, A1197G, A1235G, A1065G.
Identifiers: ClinVar variation 469933 (VCV000469933.19), dbSNP rs1554085218, ClinGen allele CA16029397.